The following is an entry in ClinVar:

ClinVar aggregate classification (germline): Conflicting classifications of pathogenicity. Review status: criteria provided, conflicting classifications (1 of 4 stars). 2 submissions from 2 submitters: Pathogenic (1); Uncertain significance (1). Last evaluated 2023-02-18.

Conditions:
Idiopathic generalized epilepsy. Also called: Generalised epilepsy; EIG. Identifiers: MedGen C0270850, MONDO:0005579, OMIM 600669.
Epilepsy, idiopathic generalized, susceptibility to, 13. Also called: EPILEPSY, JUVENILE MYOCLONIC, SUSCEPTIBILITY TO, 5. Identifiers: Orphanet 307, Orphanet 64280, MedGen C4013473, MONDO:0012627, OMIM 611136.
Epilepsy, childhood absence 4 (ECA4). Also called: EPILEPSY, CHILDHOOD ABSENCE, SUSCEPTIBILITY TO, 4. Identifiers: Orphanet 307, MedGen C1970160.

Submissions (2):

Uskudar University, Department of Molecular Biology and Genetics, Uskudar University
Classification: Pathogenic for Epilepsy, childhood absence 4; Epilepsy, idiopathic generalized, susceptibility to, 13; Idiopathic generalized epilepsy. Last evaluated: 2023-02-18. Review status: criteria provided, single submitter. Criteria: ACMG Guidelines, 2015. Collection method: research. Allele origin: germline.

Labcorp Genetics (formerly Invitae), Labcorp
Classification: Uncertain significance for Epilepsy, childhood absence 4; Epilepsy, idiopathic generalized, susceptibility to, 13; Idiopathic generalized epilepsy. Last evaluated: 2022-02-05. Review status: criteria provided, single submitter. Criteria: Invitae Variant Classification Sherloc (09022015). Collection method: clinical testing. Allele origin: germline.
Comment: In summary, the available evidence is currently insufficient to determine the role of this variant in disease. Therefore, it has been classified as a Variant of Uncertain Significance. Algorithms developed to predict the effect of missense changes on protein structure and function (SIFT, PolyPhen-2, Align-GVGD) all suggest that this variant is likely to be disruptive. ClinVar contains an entry for this variant (Variation ID: 938214). This variant has not been reported in the literature in individuals affected with GABRA1-related conditions. This variant is not present in population databases (gnomAD no frequency). This sequence change replaces aspartic acid, which is acidic and polar, with glycine, which is neutral and non-polar, at codon 99 of the GABRA1 protein (p.Asp99Gly).

Literature cited by the submitters: PubMed 37809401 (cited by Uskudar University, Department of Molecular Biology and Genetics, Uskudar University).

NM_001127644.2(GABRA1):c.296A>G (p.Asp99Gly)

Gene: GABRA1 (gamma-aminobutyric acid type A receptor subunit alpha1; plus strand). Cytogenetic location: 5q34.
Variant type: single nucleotide variant.
Coding change: c.296A>G on transcript NM_001127644.2 (MANE Select); coding-DNA position 296, A replaced by G.
Protein change: p.Asp99Gly; replaces aspartic acid 99 with glycine.
Molecular consequence: missense variant.
Genome position (GRCh38, 1-based): chr5:161,873,157, A>G. VCF-style: chr5-161873157-A-G. GRCh37 (hg19) VCF-style: chr5-161300163-A-G.
Other names: c.296A>G, p.Asp99Gly (NM_000806.5, NM_001127643.2, NM_001127645.2 and 1 more transcripts); short protein forms D99G.
Identifiers: ClinVar variation 938214 (VCV000938214.10), dbSNP rs1754197638, ClinGen allele CA362178754.